The following is an entry in ClinVar:

NM_144670.6(A2ML1):c.4105G>T (p.Val1369Leu)

Gene: A2ML1 (alpha-2-macroglobulin like 1; plus strand). Cytogenetic location: 12p13.31.
Variant type: single nucleotide variant.
Coding change: c.4105G>T on transcript NM_144670.6 (MANE Select); coding-DNA position 4105, G replaced by T.
Protein change: p.Val1369Leu; replaces valine 1369 with leucine.
Molecular consequence: missense variant.
Genome position (GRCh38, 1-based): chr12:8,868,580, G>T. VCF-style: chr12-8868580-G-T. GRCh37 (hg19) VCF-style: chr12-9021176-G-T.
Other names: c.2632G>T, p.Val878Leu (NM_001282424.3); short protein forms V1369L, V878L.
Identifiers: ClinVar variation 1027579 (VCV001027579.1), dbSNP rs755052089, ClinGen allele CA6436597.

ClinVar aggregate classification (germline): Uncertain significance (1 of 4 stars; one submission).

Allele frequency attached by ClinVar (database versions not stated): gnomAD exomes below 0.00001; ExAC 0.00001.
gnomAD v4.1: 3 of 1,614,116 alleles (0.00019%); highest among the groups gnomAD compares: East Asian, 0.0067%; no homozygotes.

Submission:

Women's Health and Genetics/Laboratory Corporation of America, LabCorp
Classification: Uncertain significance. Last evaluated: 2021-03-11. Review status: criteria provided, single submitter. Criteria: LabCorp Variant Classification Summary - May 2015. Collection method: clinical testing. Allele origin: germline.
Comment: Variant summary: A2ML1 c.4105G>T (p.Val1369Leu) results in a conservative amino acid change located in the Alpha-macroglobulin, receptor-binding domain (IPR009048) of the encoded protein sequence. Three of five in-silico tools predict a benign effect of the variant on protein function. The variant allele was found at a frequency of 4e-06 in 249256 control chromosomes (gnomAD). The available data on variant occurrences in the general population are insufficient to allow any conclusion about variant significance. To our knowledge, no occurrence of c.4105G>T in individuals affected with Noonan Syndrome and no experimental evidence demonstrating its impact on protein function have been reported. No clinical diagnostic laboratories have submitted clinical-significance assessments for this variant to ClinVar after 2014. Based on the evidence outlined above, the variant was classified as uncertain significance.